The following is an entry in ClinVar:

ClinVar aggregate classification (germline): Likely benign. Review status: criteria provided, multiple submitters, no conflicts (2 of 4 stars). 4 submissions from 4 submitters: Likely benign (4). Last evaluated 2024-03-24.

Conditions:
Marfan syndrome (MFS). Also called: MARFAN SYNDROME, TYPE I; FBN1-Related Marfan Syndrome; Marfan syndrome type 1; Marfan's syndrome; Marfan syndrome, classic. Identifiers: Orphanet 284963, Orphanet 558, MedGen C0024796, MONDO:0007947, OMIM 154700.
Familial thoracic aortic aneurysm and aortic dissection (TAAD). Also called: Thoracic aortic aneurysms and dissections. Identifiers: Orphanet 91387, MedGen C4707243, MONDO:0019625.

Allele frequency attached by ClinVar (database versions not stated): ExAC 0.00003; gnomAD 0.00003; gnomAD exomes 0.00003; TOPMed 0.00004; ESP Exome Variant Server 0.00008.
gnomAD v4.1: 13 of 1,614,066 alleles (0.00081%); highest among the groups gnomAD compares: Admixed American, 0.0083%; no homozygotes.

Submissions (4):

All of Us Research Program, National Institutes of Health
Classification: Likely benign for Marfan syndrome. Last evaluated: 2024-03-24. Review status: criteria provided, single submitter. Criteria: ACMG Guidelines, 2015. Collection method: clinical testing. Allele origin: germline. Inheritance: Autosomal dominant inheritance. Observed: 2 variant alleles, 2 heterozygotes.
Comment: This study involves interpretation of variants in research participants for the purpose of population health screening. Participant phenotype was not available at the time of variant classification. Additional details can be found in publication PMID: 35346344, PMCID: PMC8962531

Labcorp Genetics (formerly Invitae), Labcorp
Classification: Likely benign for Marfan syndrome; Familial thoracic aortic aneurysm and aortic dissection. Last evaluated: 2024-02-15. Review status: criteria provided, single submitter. Criteria: Invitae Variant Classification Sherloc (09022015). Collection method: clinical testing. Allele origin: germline.

Ambry Genetics
Classification: Likely benign for Familial thoracic aortic aneurysm and aortic dissection. Last evaluated: 2022-06-14. Review status: criteria provided, single submitter. Criteria: Ambry Variant Classification Scheme 2023. Collection method: clinical testing. Allele origin: germline.

Color Diagnostics, LLC DBA Color Health
Classification: Likely benign for Familial thoracic aortic aneurysm and aortic dissection. Last evaluated: 2019-05-15. Review status: criteria provided, single submitter. Criteria: ACMG Guidelines, 2015. Collection method: clinical testing. Allele origin: germline.

NM_000138.5(FBN1):c.3480G>A (p.Glu1160=)

Gene: FBN1 (fibrillin 1; minus strand). Cytogenetic location: 15q21.1.
Variant type: single nucleotide variant.
Coding change: c.3480G>A on transcript NM_000138.5 (MANE Select); coding-DNA position 3480, G replaced by A.
Protein change: p.Glu1160=; no amino-acid change (glutamic acid 1160 retained).
Molecular consequence: synonymous variant.
Genome position (GRCh38, 1-based): chr15:48,487,184, C>T on the plus strand (G>A on the coding strand, the complement: FBN1 is on the minus strand). VCF-style: chr15-48487184-C-T. GRCh37 (hg19) VCF-style: chr15-48779381-C-T.
Identifiers: ClinVar variation 700841 (VCV000700841.15), dbSNP rs149625173, ClinGen allele CA050962.